The following is an entry in ClinVar:

NM_022168.4(IFIH1):c.2954G>C (p.Arg985Thr)

Gene: IFIH1 (interferon induced with helicase C domain 1; minus strand). Cytogenetic location: 2q24.2.
Variant type: single nucleotide variant.
Coding change: c.2954G>C on transcript NM_022168.4 (MANE Select); coding-DNA position 2954, G replaced by C.
Protein change: p.Arg985Thr; replaces arginine 985 with threonine.
Molecular consequence: missense variant.
Genome position (GRCh38, 1-based): chr2:162,267,324, C>G on the plus strand (G>C on the coding strand, the complement: IFIH1 is on the minus strand). VCF-style: chr2-162267324-C-G. GRCh37 (hg19) VCF-style: chr2-163123834-C-G.
Other names: short protein forms R985T.
Identifiers: ClinVar variation 2937257 (VCV002937257.3), dbSNP rs755586435, ClinGen allele CA1934009.
Genomic context (GRCh38, chr2:162,267,324, plus strand): 5'-TCTACCCACTTTTTGTATTGTTTCTTTGTTGAATTATTTTTGAAAACCACTACAAAATTC[C>G]TTATTTTGAGACAAGGCAAATCTAAGCCTTTGTGCACCATCATTGTTCCCCAAGCCTGGA-3'
Protein context (NP_071451.2, residues 975-995): KGLDLPCLKI[Arg985Thr]NFVVVFKNNS

ClinVar aggregate classification (germline): Uncertain significance (1 of 4 stars; one submission).

Conditions:
Aicardi-Goutieres syndrome 7 (AGS7). Identifiers: Orphanet 51, MedGen C3888244, MONDO:0014367, OMIM 615846.
Singleton-Merten syndrome 1 (SGMRT1). Also called: Widened medullary cavities of bone, aortic calcification, abnormal dentition, and muscular weakness; Syndrome of widened medullary cavities of the metacarpals and phalanges, aortic calcification and abnormal dentition. Identifiers: Orphanet 85191, MedGen C4225427, MONDO:0024535, OMIM 182250.

Allele frequency attached by ClinVar (database versions not stated): gnomAD exomes below 0.00001; ExAC 0.00001.
gnomAD v4.1: 1 of 1,612,530 alleles (0.000062%); highest among the groups gnomAD compares: East Asian, 0.0022%; no homozygotes.

Submission:

Labcorp Genetics (formerly Invitae), Labcorp
Classification: Uncertain significance for Aicardi-Goutieres syndrome 7; Singleton-Merten syndrome 1. Last evaluated: 2022-11-28. Review status: criteria provided, single submitter. Criteria: Invitae Variant Classification Sherloc (09022015). Collection method: clinical testing. Allele origin: germline.
Comment: In summary, the available evidence is currently insufficient to determine the role of this variant in disease. Therefore, it has been classified as a Variant of Uncertain Significance. Advanced modeling of protein sequence and biophysical properties (such as structural, functional, and spatial information, amino acid conservation, physicochemical variation, residue mobility, and thermodynamic stability) has been performed at Invitae for this missense variant, however the output from this modeling did not meet the statistical confidence thresholds required to predict the impact of this variant on IFIH1 protein function. This variant has not been reported in the literature in individuals affected with IFIH1-related conditions. This variant is present in population databases (rs755586435, gnomAD 0.006%). This sequence change replaces arginine, which is basic and polar, with threonine, which is neutral and polar, at codon 985 of the IFIH1 protein (p.Arg985Thr).